The following is an entry in ClinVar:

NM_001614.5(ACTG1):c.346dup (p.Arg116fs)

Gene: ACTG1 (actin gamma 1; minus strand). Cytogenetic location: 17q25.3.
Variant type: Duplication.
Coding change: c.346dup on transcript NM_001614.5 (MANE Select); coding-DNA position 346, one base duplicated (A; older notation c.346dupA).
Protein change: p.Arg116fs; shifts the reading frame from arginine 116.
Molecular consequence: frameshift variant. On other transcripts: non-coding transcript variant (1).
Genome position (GRCh38, 1-based): chr17:81,511,920, T duplicated on the plus strand (A on the coding strand, the reverse complement: ACTG1 is on the minus strand). VCF-style (leftmost placement, unchanged base first): chr17-81511919-C-CT. GRCh37 (hg19) VCF-style: chr17-79478945-C-CT.
Other names: c.346dup, p.Arg116fs (NM_001199954.3); short protein forms R116fs.
Identifiers: ClinVar variation 2945659 (VCV002945659.3), dbSNP rs2544391566, ClinGen allele CA2740090866.

ClinVar aggregate classification (germline): Uncertain significance (1 of 4 stars; one submission).

Conditions:
Baraitser-winter syndrome 2. Identifiers: Orphanet 2995, MedGen C3281235, MONDO:0013812, OMIM 614583.
Autosomal dominant nonsyndromic hearing loss 20. Identifiers: Orphanet 90635, MedGen C1858172, MONDO:0011480, OMIM 604717.

Submission:

Labcorp Genetics (formerly Invitae), Labcorp
Classification: Uncertain significance for Baraitser-winter syndrome 2; Autosomal dominant nonsyndromic hearing loss 20. Last evaluated: 2023-10-03. Review status: criteria provided, single submitter. Criteria: Invitae Variant Classification Sherloc (09022015). Collection method: clinical testing. Allele origin: germline.
Comment: This sequence change creates a premature translational stop signal (p.Arg116Lysfs*10) in the ACTG1 gene. It is expected to result in an absent or disrupted protein product. However, the current clinical and genetic evidence is not sufficient to establish whether loss-of-function variants in ACTG1 cause disease. This variant is not present in population databases (gnomAD no frequency). This variant has not been reported in the literature in individuals affected with ACTG1-related conditions. In summary, the available evidence is currently insufficient to determine the role of this variant in disease. Therefore, it has been classified as a Variant of Uncertain Significance.